The following is an entry in ClinVar:

ClinVar aggregate classification (germline): Likely benign. Review status: criteria provided, single submitter (1 of 4 stars). 2 submissions from 2 submitters: Likely benign (1). 1 of the submissions does not count toward it.

Conditions:
RIN3-related disorder. Also called: RIN3-related condition.

Allele frequency attached by ClinVar (database versions not stated): 1000 Genomes Project 0.00020; ExAC 0.00026; 1000 Genomes Project 30x 0.00031; gnomAD 0.00081; TOPMed 0.00093; ESP Exome Variant Server 0.00100.
gnomAD v4.1: 380 of 1,608,162 alleles (0.024%); highest among the groups gnomAD compares: African/African-American, 0.24%; 1 homozygote.

Submissions (2):

Breakthrough Genomics
Classification: Likely benign. Review status: criteria provided, single submitter. Criteria: ACMG Guidelines, 2015. Collection method: not provided. Allele origin: germline. Inheritance: Unknown mechanism. Affected: yes.

PreventionGenetics, part of Exact Sciences
Classification: Likely benign for RIN3-related condition. Last evaluated: 2023-01-03. Review status: no assertion criteria provided. Collection method: clinical testing. Allele origin: germline. Not counted in ClinVar's aggregate classification.
Comment: This variant is classified as likely benign based on ACMG/AMP sequence variant interpretation guidelines (Richards et al. 2015 PMID: 25741868, with internal and published modifications).

NM_024832.5(RIN3):c.1171G>A (p.Val391Ile)

Gene: RIN3 (Ras and Rab interactor 3; plus strand). Cytogenetic location: 14q32.12.
Variant type: single nucleotide variant.
Coding change: c.1171G>A on transcript NM_024832.5 (MANE Select); coding-DNA position 1171, G replaced by A.
Protein change: p.Val391Ile; replaces valine 391 with isoleucine.
Molecular consequence: missense variant.
Genome position (GRCh38, 1-based): chr14:92,652,220, G>A. VCF-style: chr14-92652220-G-A. GRCh37 (hg19) VCF-style: chr14-93118565-G-A.
Other names: c.946G>A, p.Val316Ile (NM_001319987.2); short protein forms V316I, V391I.
Identifiers: ClinVar variation 3037914 (VCV003037914.3), dbSNP rs145578489, ClinGen allele CA7316683.